The following is an entry in ClinVar:

NM_001081.4(CUBN):c.1892del (p.Thr631fs)

Gene: CUBN (cubilin; minus strand). Cytogenetic location: 10p13.
Variant type: Deletion.
Coding change: c.1892del on transcript NM_001081.4 (MANE Select); coding-DNA position 1892, one base deleted (C; older notation c.1892delC).
Protein change: p.Thr631fs; shifts the reading frame from threonine 631.
Molecular consequence: frameshift variant.
Genome position (GRCh38, 1-based): chr10:17,088,219, G deleted on the plus strand (C on the coding strand, the reverse complement: CUBN is on the minus strand). VCF-style (leftmost placement, unchanged base first): chr10-17088218-AG-A. GRCh37 (hg19) VCF-style: chr10-17130217-AG-A.
Other names: short protein forms T631fs.
Identifiers: ClinVar variation 1076401 (VCV001076401.7), dbSNP rs2131869439, ClinGen allele CA2499220207.

ClinVar aggregate classification (germline): Pathogenic (1 of 4 stars; one submission).

Conditions:
Imerslund-Grasbeck syndrome. Also called: Megaloblastic anemia due to inborn errors of metabolism; Imerslund-Gräsbeck syndrome; ENTEROCYTE COBALAMIN MALABSORPTION; ENTEROCYTE INTRINSIC FACTOR RECEPTOR, DEFECT OF; PERNICIOUS ANEMIA, JUVENILE, DUE TO SELECTIVE INTESTINAL MALABSORPTION OF VITAMIN B12, WITH PROTEINURIA. Identifiers: Orphanet 35858, MedGen C4551825, MONDO:0009853.

Submission:

Labcorp Genetics (formerly Invitae), Labcorp
Classification: Pathogenic for Imerslund-Grasbeck syndrome. Last evaluated: 2020-06-01. Review status: criteria provided, single submitter. Criteria: Invitae Variant Classification Sherloc (09022015). Collection method: clinical testing. Allele origin: germline.
Comment: This sequence change creates a premature translational stop signal (p.Thr631Ilefs*5) in the CUBN gene. It is expected to result in an absent or disrupted protein product. This variant is not present in population databases (ExAC no frequency). This variant has not been reported in the literature in individuals with CUBN-related conditions. Loss-of-function variants in CUBN are known to be pathogenic (PMID: 15024727, 22929189). For these reasons, this variant has been classified as Pathogenic.

Literature cited by the submitters: PubMed 15024727; PubMed 22929189.